The following is an entry in ClinVar:

ClinVar aggregate classification (germline): Uncertain significance (1 of 4 stars; one submission).

Allele frequency attached by ClinVar (database versions not stated): gnomAD exomes below 0.00001.
gnomAD v4.1: 3 of 1,613,358 alleles (0.00019%); highest among the groups gnomAD compares: South Asian, 0.0022%; no homozygotes.

Submission:

Labcorp Genetics (formerly Invitae), Labcorp
Classification: Uncertain significance. Last evaluated: 2022-12-02. Review status: criteria provided, single submitter. Criteria: Invitae Variant Classification Sherloc (09022015). Collection method: clinical testing. Allele origin: germline.
Comment: ClinVar contains an entry for this variant (Variation ID: 1348873). This variant has not been reported in the literature in individuals affected with MME-related conditions. This variant is not present in population databases (gnomAD no frequency). This sequence change replaces lysine, which is basic and polar, with arginine, which is basic and polar, at codon 746 of the MME protein (p.Lys746Arg). In summary, the available evidence is currently insufficient to determine the role of this variant in disease. Therefore, it has been classified as a Variant of Uncertain Significance. Advanced modeling of protein sequence and biophysical properties (such as structural, functional, and spatial information, amino acid conservation, physicochemical variation, residue mobility, and thermodynamic stability) performed at Invitae indicates that this missense variant is not expected to disrupt MME protein function.

NM_007289.4(MME):c.2237A>G (p.Lys746Arg)

Gene: MME (membrane metalloendopeptidase; plus strand). Cytogenetic location: 3q25.2.
Variant type: single nucleotide variant.
Coding change: c.2237A>G on transcript NM_007289.4 (MANE Select); coding-DNA position 2237, A replaced by G.
Protein change: p.Lys746Arg; replaces lysine 746 with arginine.
Molecular consequence: missense variant.
Genome position (GRCh38, 1-based): chr3:155,180,443, A>G. VCF-style: chr3-155180443-A-G. GRCh37 (hg19) VCF-style: chr3-154898232-A-G.
Other names: c.2237A>G, p.Lys746Arg (NM_000902.5, NM_001354642.2, NM_001354643.1 and 2 more transcripts); short protein forms K746R.
Identifiers: ClinVar variation 1348873 (VCV001348873.8), dbSNP rs202010816, ClinGen allele CA86316969.